The following is an entry in ClinVar:

NM_000081.4(LYST):c.6593C>A (p.Pro2198Gln)

Gene: LYST (lysosomal trafficking regulator; minus strand). Cytogenetic location: 1q42.3.
Variant type: single nucleotide variant.
Coding change: c.6593C>A on transcript NM_000081.4 (MANE Select); coding-DNA position 6593, C replaced by A.
Protein change: p.Pro2198Gln; replaces proline 2198 with glutamine.
Molecular consequence: missense variant.
Genome position (GRCh38, 1-based): chr1:235,759,260, G>T on the plus strand (C>A on the coding strand, the complement: LYST is on the minus strand). VCF-style: chr1-235759260-G-T. GRCh37 (hg19) VCF-style: chr1-235922560-G-T.
Other names: c.6593C>A, p.Pro2198Gln (NM_001301365.1); short protein forms P2198Q.
Identifiers: ClinVar variation 1399396 (VCV001399396.7), dbSNP rs2527807775, ClinGen allele CA344940589.

ClinVar aggregate classification (germline): Uncertain significance (1 of 4 stars; one submission).

Conditions:
Chédiak-Higashi syndrome (CHS). Also called: Chediak-Higashi Syndrome. Identifiers: Orphanet 167, MedGen C0007965, MONDO:0008963, OMIM 214500.

Submission:

Labcorp Genetics (formerly Invitae), Labcorp
Classification: Uncertain significance for Chédiak-Higashi syndrome. Last evaluated: 2021-05-18. Review status: criteria provided, single submitter. Criteria: Invitae Variant Classification Sherloc (09022015). Collection method: clinical testing. Allele origin: germline.
Comment: In summary, the available evidence is currently insufficient to determine the role of this variant in disease. Therefore, it has been classified as a Variant of Uncertain Significance. Algorithms developed to predict the effect of missense changes on protein structure and function are either unavailable or do not agree on the potential impact of this missense change (SIFT: "Tolerated"; PolyPhen-2: "Possibly Damaging"; Align-GVGD: "Class C0"). This variant has not been reported in the literature in individuals with LYST-related conditions. This variant is not present in population databases (ExAC no frequency). This sequence change replaces proline with glutamine at codon 2198 of the LYST protein (p.Pro2198Gln). The proline residue is moderately conserved and there is a moderate physicochemical difference between proline and glutamine.